The following is an entry in ClinVar:

NM_000152.5(GAA):c.1855A>G (p.Ser619Gly)

Gene: GAA (alpha glucosidase; plus strand). Cytogenetic location: 17q25.3.
Variant type: single nucleotide variant.
Coding change: c.1855A>G on transcript NM_000152.5 (MANE Select); coding-DNA position 1855, A replaced by G.
Protein change: p.Ser619Gly; replaces serine 619 with glycine.
Molecular consequence: missense variant.
Genome position (GRCh38, 1-based): chr17:80,112,678, A>G. VCF-style: chr17-80112678-A-G. GRCh37 (hg19) VCF-style: chr17-78086477-A-G.
Other names: c.1855A>G, p.Ser619Gly (NM_001079803.3, NM_001079804.3, NM_001406741.1 and 1 more transcripts); short protein forms S619G.
Identifiers: ClinVar variation 2698749 (VCV002698749.3), dbSNP rs2510381595, ClinGen allele CA401369647.
Genomic context (GRCh38, chr17:80,112,678, plus strand): 5'-TCCCGCTCGACCTTTGCTGGCCACGGCCGATACGCCGGCCACTGGACGGGGGACGTGTGG[A>G]GCTCCTGGGAGCAGCTCGCCTCCTCCGTGCCAGGTGAGCTCCTACCAGGAGGGGCTGCTC-3'
Protein context (NP_000143.2, residues 609-629): YAGHWTGDVW[Ser619Gly]SWEQLASSVP

ClinVar aggregate classification (germline): Likely pathogenic (1 of 4 stars; one submission).

Conditions:
Glycogen storage disease, type II (IOPD). Also called: Glucosidase acid-1,4-alpha deficiency; Pompe Disease; Glycogen storage disease type 2; Acid maltase deficiency disease; Aglucosidase alfa; Deficiency of alpha-glucosidase. Identifiers: Orphanet 365, MedGen C0017921, MONDO:0009290, OMIM 232300.

Submission:

Labcorp Genetics (formerly Invitae), Labcorp
Classification: Likely pathogenic for Glycogen storage disease, type II. Last evaluated: 2023-11-24. Review status: criteria provided, single submitter. Criteria: Invitae Variant Classification Sherloc (09022015). Collection method: clinical testing. Allele origin: germline.
Comment: This sequence change replaces serine, which is neutral and polar, with glycine, which is neutral and non-polar, at codon 619 of the GAA protein (p.Ser619Gly). This variant is not present in population databases (gnomAD no frequency). This variant has not been reported in the literature in individuals affected with GAA-related conditions. Advanced modeling of protein sequence and biophysical properties (such as structural, functional, and spatial information, amino acid conservation, physicochemical variation, residue mobility, and thermodynamic stability) performed at Invitae indicates that this missense variant is expected to disrupt GAA protein function with a positive predictive value of 95%. This variant disrupts the p.Ser619 amino acid residue in GAA. Other variant(s) that disrupt this residue have been determined to be pathogenic (PMID: 14643388, 21471980, 25213570, 27363342). This suggests that this residue is clinically significant, and that variants that disrupt this residue are likely to be disease-causing. In summary, the currently available evidence indicates that the variant is pathogenic, but additional data are needed to prove that conclusively. Therefore, this variant has been classified as Likely Pathogenic.

Literature cited by the submitters: PubMed 14643388; PubMed 21471980; PubMed 25213570; PubMed 27363342.